The following is an entry in ClinVar:

NM_001145308.5(LRTOMT):c.323G>A (p.Arg108His)

Genes: LRTOMT (leucine rich transmembrane and O-methyltransferase domain containing; plus strand), TOMT (transmembrane O-methyltransferase; plus strand). Cytogenetic location: 11q13.4.
Variant type: single nucleotide variant.
Coding change: c.323G>A on transcript NM_001145308.5; coding-DNA position 323, G replaced by A.
Protein change: p.Arg108His; replaces arginine 108 with histidine.
Molecular consequence: missense variant.
Genome position (GRCh38, 1-based): chr11:72,106,175, G>A. VCF-style: chr11-72106175-G-A. GRCh37 (hg19) VCF-style: chr11-71817221-G-A.
Other names: p.Arg108His; c.224G>A, p.Arg75His (NM_001393500.2); c.323G>A, p.Arg108His (NM_001145309.4); c.203G>A, p.Arg68His (NM_001145310.4); short protein forms R108H, R68H, R75H.
Identifiers: ClinVar variation 2683157 (VCV002683157.2), dbSNP rs999863107, ClinGen allele CA224374581.

ClinVar aggregate classification (germline): Conflicting classifications of pathogenicity. Review status: criteria provided, conflicting classifications (1 of 4 stars). 2 submissions from 2 submitters: Uncertain significance (1); Likely benign (1). Last evaluated 2023-12-22.

Conditions:
Inborn genetic diseases. Identifiers: MedGen C0950123, MeSH D030342.

Allele frequency attached by ClinVar (database versions not stated): gnomAD exomes 0.00002; gnomAD 0.00003; TOPMed 0.00004.
gnomAD v4.1: 33 of 1,516,448 alleles (0.0022%); highest among the groups gnomAD compares: Admixed American, 0.004%; no homozygotes.

Submissions (2):

Ambry Genetics
Classification: Likely benign for Inborn genetic diseases. Last evaluated: 2023-12-22. Review status: criteria provided, single submitter. Criteria: Ambry Variant Classification Scheme 2023. Collection method: clinical testing. Allele origin: germline.

Mayo Clinic Laboratories, Mayo Clinic
Classification: Uncertain significance. Last evaluated: 2021-11-22. Review status: criteria provided, single submitter. Criteria: ACMG Guidelines, 2015. Collection method: clinical testing. Allele origin: germline. Observed: 1 variant allele.
Comment: BP4, PM2